The following is an entry in ClinVar:

NM_020964.3(EPG5):c.7307A>G (p.Asp2436Gly)

Gene: EPG5 (ectopic P-granules 5 autophagy tethering factor; minus strand). Cytogenetic location: 18q12.3.
Variant type: single nucleotide variant.
Coding change: c.7307A>G on transcript NM_020964.3 (MANE Select); coding-DNA position 7307, A replaced by G.
Protein change: p.Asp2436Gly; replaces aspartic acid 2436 with glycine.
Molecular consequence: missense variant.
Genome position (GRCh38, 1-based): chr18:45,857,988, T>C on the plus strand (A>G on the coding strand, the complement: EPG5 is on the minus strand). VCF-style: chr18-45857988-T-C. GRCh37 (hg19) VCF-style: chr18-43437953-T-C.
Other names: short protein forms D2436G.
Identifiers: ClinVar variation 940074 (VCV000940074.8), dbSNP rs2048551891, ClinGen allele CA402336045.

ClinVar aggregate classification (germline): Uncertain significance (1 of 4 stars; one submission).

Conditions:
Vici syndrome (VICIS). Identifiers: Orphanet 1493, MedGen C1855772, MONDO:0009452, OMIM 242840.

gnomAD v4.1: 3 of 1,613,640 alleles (0.00019%); highest among the groups gnomAD compares: Admixed American, 0.0033%; no homozygotes.

Submission:

Labcorp Genetics (formerly Invitae), Labcorp
Classification: Uncertain significance for Vici syndrome. Last evaluated: 2021-09-01. Review status: criteria provided, single submitter. Criteria: Invitae Variant Classification Sherloc (09022015). Collection method: clinical testing. Allele origin: germline.
Comment: This sequence change replaces aspartic acid with glycine at codon 2436 of the EPG5 protein (p.Asp2436Gly). The aspartic acid residue is moderately conserved and there is a moderate physicochemical difference between aspartic acid and glycine. This variant is not present in population databases (ExAC no frequency). This variant has not been reported in the literature in individuals affected with EPG5-related conditions. Algorithms developed to predict the effect of missense changes on protein structure and function (SIFT, PolyPhen-2, Align-GVGD) all suggest that this variant is likely to be tolerated. In summary, the available evidence is currently insufficient to determine the role of this variant in disease. Therefore, it has been classified as a Variant of Uncertain Significance.